The following is an entry in ClinVar:

NM_133497.4(KCNV2):c.362C>T (p.Thr121Met)

Gene: KCNV2 (potassium voltage-gated channel modifier subfamily V member 2; plus strand). Cytogenetic location: 9p24.2.
Variant type: single nucleotide variant.
Coding change: c.362C>T on transcript NM_133497.4 (MANE Select); coding-DNA position 362, C replaced by T.
Protein change: p.Thr121Met; replaces threonine 121 with methionine.
Molecular consequence: missense variant.
Genome position (GRCh38, 1-based): chr9:2,718,101, C>T. VCF-style: chr9-2718101-C-T. GRCh37 (hg19) VCF-style: chr9-2718101-C-T.
Other names: short protein forms T121M.
Identifiers: ClinVar variation 2102732 (VCV002102732.2), dbSNP rs772682207, ClinGen allele CA4965423.

ClinVar aggregate classification (germline): Uncertain significance (1 of 4 stars; one submission).

Allele frequency attached by ClinVar (database versions not stated): gnomAD 0.00001; TOPMed 0.00002; ExAC 0.00003.
gnomAD v4.1: 7 of 1,599,680 alleles (0.00044%); highest among the groups gnomAD compares: East Asian, 0.011%; no homozygotes.

Submission:

Labcorp Genetics (formerly Invitae), Labcorp
Classification: Uncertain significance. Last evaluated: 2022-02-23. Review status: criteria provided, single submitter. Criteria: Invitae Variant Classification Sherloc (09022015). Collection method: clinical testing. Allele origin: germline.
Comment: In summary, the available evidence is currently insufficient to determine the role of this variant in disease. Therefore, it has been classified as a Variant of Uncertain Significance. Algorithms developed to predict the effect of missense changes on protein structure and function are either unavailable or do not agree on the potential impact of this missense change (SIFT: "Deleterious"; PolyPhen-2: "Probably Damaging"; Align-GVGD: "Class C0"). This variant has not been reported in the literature in individuals affected with KCNV2-related conditions. This variant is present in population databases (rs772682207, gnomAD 0.02%). This sequence change replaces threonine, which is neutral and polar, with methionine, which is neutral and non-polar, at codon 121 of the KCNV2 protein (p.Thr121Met).